The following is an entry in ClinVar:

ClinVar aggregate classification (germline): Uncertain significance (1 of 4 stars; one submission).

Conditions:
Hereditary cancer-predisposing syndrome. Also called: Neoplastic Syndromes, Hereditary; Tumor predisposition; Hereditary neoplastic syndrome; Hereditary Cancer Syndrome. Identifiers: Orphanet 140162, MedGen C0027672, MeSH D009386, MONDO:0015356.

gnomAD v4.1: 2 of 1,613,960 alleles (0.00012%); highest among the groups gnomAD compares: Non-Finnish European, 0.00017%; no homozygotes.

Submission:

Color Diagnostics, LLC DBA Color Health
Classification: Uncertain significance for Hereditary cancer-predisposing syndrome. Last evaluated: 2023-12-04. Review status: criteria provided, single submitter. Criteria: ACMG Guidelines, 2015. Collection method: clinical testing. Allele origin: germline.
Comment: This missense variant replaces leucine with valine at codon 738 of the BRIP1 protein. Computational prediction suggests that this variant may not impact protein structure and function (internally defined REVEL score threshold <= 0.5, PMID: 27666373). To our knowledge, functional studies have not been reported for this variant. This variant has not been reported in individuals affected with BRIP1-related disorders in the literature. This variant has not been identified in the general population by the Genome Aggregation Database (gnomAD). The available evidence is insufficient to determine the role of this variant in disease conclusively. Therefore, this variant is classified as a Variant of Uncertain Significance.

NM_032043.3(BRIP1):c.2212T>G (p.Leu738Val)

Gene: BRIP1 (BRCA1 interacting DNA helicase 1; minus strand). Cytogenetic location: 17q23.2.
Variant type: single nucleotide variant.
Coding change: c.2212T>G on transcript NM_032043.3 (MANE Select); coding-DNA position 2212, T replaced by G.
Protein change: p.Leu738Val; replaces leucine 738 with valine.
Molecular consequence: missense variant.
Genome position (GRCh38, 1-based): chr17:61,744,477, A>C on the plus strand (T>G on the coding strand, the complement: BRIP1 is on the minus strand). VCF-style: chr17-61744477-A-C. GRCh37 (hg19) VCF-style: chr17-59821838-A-C.
Other names: short protein forms L738V.
Identifiers: ClinVar variation 628249 (VCV000628249.5), dbSNP rs1567781239, ClinGen allele CA400482963.